The following is an entry in ClinVar:

NM_018051.5(DYNC2I1):c.2461A>G (p.Ile821Val)

Gene: DYNC2I1 (dynein 2 intermediate chain 1; plus strand). Cytogenetic location: 7q36.3.
Variant type: single nucleotide variant.
Coding change: c.2461A>G on transcript NM_018051.5 (MANE Select); coding-DNA position 2461, A replaced by G.
Protein change: p.Ile821Val; replaces isoleucine 821 with valine.
Molecular consequence: missense variant.
Genome position (GRCh38, 1-based): chr7:158,927,019, A>G. VCF-style: chr7-158927019-A-G. GRCh37 (hg19) VCF-style: chr7-158719710-A-G.
Other names: c.2323A>G, p.Ile775Val (NM_001350914.2); c.1888A>G, p.Ile630Val (NM_001350915.2); c.1000A>G, p.Ile334Val (NM_001350916.2); c.1213A>G, p.Ile405Val (NM_001350917.2, NM_001350918.2); short protein forms I334V, I405V, I630V, I775V, I821V.
Identifiers: ClinVar variation 2414678 (VCV002414678.4), dbSNP rs1214189030, ClinGen allele CA370182787.

ClinVar aggregate classification (germline): Uncertain significance (1 of 4 stars; one submission).

Conditions:
Short-rib thoracic dysplasia 8 with or without polydactyly (SRTD8). Also called: SHORT-RIB THORACIC DYSPLASIA 8 WITH POLYDACTYLY. Identifiers: Orphanet 93271, MedGen C3809691, MONDO:0014214, OMIM 615503.

gnomAD v4.1: 3 of 1,604,744 alleles (0.00019%); highest among the groups gnomAD compares: Admixed American, 0.0051%; no homozygotes.

Submission:

Labcorp Genetics (formerly Invitae), Labcorp
Classification: Uncertain significance for Short-rib thoracic dysplasia 8 with or without polydactyly. Last evaluated: 2022-07-12. Review status: criteria provided, single submitter. Criteria: Invitae Variant Classification Sherloc (09022015). Collection method: clinical testing. Allele origin: germline.
Comment: This variant is present in population databases (no rsID available, gnomAD 0.006%). This sequence change replaces isoleucine, which is neutral and non-polar, with valine, which is neutral and non-polar, at codon 821 of the WDR60 protein (p.Ile821Val). This variant has not been reported in the literature in individuals affected with WDR60-related conditions. In summary, the available evidence is currently insufficient to determine the role of this variant in disease. Therefore, it has been classified as a Variant of Uncertain Significance. Algorithms developed to predict the effect of missense changes on protein structure and function output the following: SIFT: "Tolerated"; PolyPhen-2: "Benign"; Align-GVGD: "Class C0". The valine amino acid residue is found in multiple mammalian species, which suggests that this missense change does not adversely affect protein function.